The following is an entry in ClinVar:

ClinVar aggregate classification (germline): Uncertain significance (1 of 4 stars; one submission).

Allele frequency attached by ClinVar (database versions not stated): ExAC 0.00001; gnomAD exomes 0.00001; TOPMed 0.00006; ESP Exome Variant Server 0.00008.
gnomAD v4.1: 17 of 1,582,908 alleles (0.0011%); highest among the groups gnomAD compares: African/African-American, 0.014%; no homozygotes.

Submission:

Labcorp Genetics (formerly Invitae), Labcorp
Classification: Uncertain significance. Last evaluated: 2024-05-23. Review status: criteria provided, single submitter. Criteria: Invitae Variant Classification Sherloc (09022015). Collection method: clinical testing. Allele origin: germline.
Comment: This sequence change replaces tyrosine, which is neutral and polar, with cysteine, which is neutral and slightly polar, at codon 1703 of the ADGRV1 protein (p.Tyr1703Cys). The frequency data for this variant in the population databases is considered unreliable, as metrics indicate poor data quality at this position in the gnomAD database. This variant has not been reported in the literature in individuals affected with ADGRV1-related conditions. ClinVar contains an entry for this variant (Variation ID: 1005798). An algorithm developed to predict the effect of missense changes on protein structure and function (PolyPhen-2) suggests that this variant is likely to be disruptive. Algorithms developed to predict the effect of sequence changes on RNA splicing suggest that this variant may disrupt the consensus splice site. In summary, the available evidence is currently insufficient to determine the role of this variant in disease. Therefore, it has been classified as a Variant of Uncertain Significance.

NM_032119.4(ADGRV1):c.5108A>G (p.Tyr1703Cys)

Gene: ADGRV1 (adhesion G protein-coupled receptor V1; plus strand). Cytogenetic location: 5q14.3.
Variant type: single nucleotide variant.
Coding change: c.5108A>G on transcript NM_032119.4 (MANE Select); coding-DNA position 5108, A replaced by G.
Protein change: p.Tyr1703Cys; replaces tyrosine 1703 with cysteine.
Molecular consequence: missense variant. On other transcripts: non-coding transcript variant (1).
Genome position (GRCh38, 1-based): chr5:90,674,232, A>G. VCF-style: chr5-90674232-A-G. GRCh37 (hg19) VCF-style: chr5-89970049-A-G.
Other names: short protein forms Y1703C.
Identifiers: ClinVar variation 1005798 (VCV001005798.8), dbSNP rs377202826, ClinGen allele CA3339477.